The following is an entry in ClinVar:

ClinVar aggregate classification (germline): Uncertain significance (1 of 4 stars; one submission).

Conditions:
Surfactant metabolism dysfunction, pulmonary, 4 (SMDP4). Also called: PULMONARY ALVEOLAR PROTEINOSIS, CONGENITAL, 4; PAP DUE TO CSF2RA DEFICIENCY; CSF2RA DEFICIENCY. Identifiers: Orphanet 264675, MedGen C2677877, MONDO:0010424, OMIM 300770.

Allele frequency attached by ClinVar (database versions not stated): gnomAD 0.00001; TOPMed 0.00001.
gnomAD v4.1: 1 of 1,613,852 alleles (0.000062%); highest among the groups gnomAD compares: African/African-American, 0.0013%; no homozygotes.

Submission:

Labcorp Genetics (formerly Invitae), Labcorp
Classification: Uncertain significance for Surfactant metabolism dysfunction, pulmonary, 4. Last evaluated: 2019-12-12. Review status: criteria provided, single submitter. Criteria: Invitae Variant Classification Sherloc (09022015). Collection method: clinical testing. Allele origin: germline.
Comment: This variant has not been reported in the literature in individuals with CSF2RA-related conditions. This variant is not present in population databases (ExAC no frequency). This sequence change falls in intron 5 of the CSF2RA gene. It does not directly change the encoded amino acid sequence of the CSF2RA protein, but it affects a nucleotide within the consensus splice site of the intron. Nucleotide substitutions within the consensus splice site are a relatively common cause of aberrant splicing (PMID: 17576681, 9536098). Algorithms developed to predict the effect of sequence changes on RNA splicing suggest that this variant may disrupt the consensus splice site, but this prediction has not been confirmed by published transcriptional studies. In summary, the available evidence is currently insufficient to determine the role of this variant in disease. Therefore, it has been classified as a Variant of Uncertain Significance.

Literature cited by the submitters: PubMed 17576681; PubMed 9536098.

NM_172245.4(CSF2RA):c.343+5G>A

Gene: CSF2RA (colony stimulating factor 2 receptor subunit alpha; plus strand). Cytogenetic location: Xp22.33.
Variant type: single nucleotide variant.
Coding change: c.343+5G>A on transcript NM_172245.4 (MANE Select); 5 bases into the intron after coding-DNA position 343, G replaced by A.
Molecular consequence: intron variant.
Genome position (GRCh38, 1-based): chrX:1,288,647, G>A. VCF-style: chrX-1288647-G-A. GRCh37 (hg19) VCF-style: chrX-1407540-G-A.
Other names: c.343+5G>A (NM_001379163.1, NM_001379159.1, NM_001379162.1 and 20 more transcripts); c.-57+5G>A (NM_001161532.2).
Identifiers: ClinVar variation 845492 (VCV000845492.6), dbSNP rs1442528862, ClinGen allele CA871303440.
Genomic context (GRCh38, chrX:1,288,647, plus strand): 5'-TCACGTGAATACTAGTCAAAGAGGATTTCAACAGAAACTGCTTTATCCAAATTCAGGTAA[G>A]CAAGACAGCTCAGGGATCCGTTTACAGCACTGGCCCCACCACCCCGCCAGCATCAAAGTA-3'